The following is an entry in ClinVar:

ClinVar aggregate classification (germline): Pathogenic. Review status: criteria provided, multiple submitters, no conflicts (2 of 4 stars). 3 submissions from 3 submitters: Pathogenic (2). 1 of the submissions does not count toward it. Last evaluated 2023-04-15.

Conditions:
Thyroid hormone resistance, generalized, autosomal dominant (GRTHD). Also called: HYPERTHYROXINEMIA, FAMILIAL EUTHYROID, SECONDARY TO PITUITARY AND PERIPHERAL RESISTANCE TO THYROID HORMONES. Identifiers: MedGen C2937288, MONDO:0008569, OMIM 188570.

Submissions (3):

Women's Health and Genetics/Laboratory Corporation of America, LabCorp
Classification: Pathogenic for Thyroid hormone resistance, generalized, autosomal dominant. Last evaluated: 2023-04-15. Review status: criteria provided, single submitter. Criteria: LabCorp Variant Classification Summary - May 2015. Collection method: clinical testing. Allele origin: germline.
Comment: Variant summary: THRB c.1033G>A (p.Gly345Ser) results in a non-conservative amino acid change located in the Nuclear hormone receptor, ligand-binding domain (IPR000536) of the encoded protein sequence. Five of five in-silico tools predict a damaging effect of the variant on protein function. The variant was absent in 251448 control chromosomes (gnomAD). c.1033G>A has been reported in the literature in multiple individuals affected with Thyroid Hormone Resistance, Generalized, Autosomal Dominant (Adams_1992, Alberobello_2011), and was found segregating with disease in one family (Adams_1992). These data indicate that the variant is very likely to be associated with disease. Experimental evidence obtained from Luciferase reporter assays found that the variant could not properly activate response reporters with normal T3 levels (Adams_1992) and required far higher levels of T3 to induce a response (Wan_2005), indicating that the variant receptor had poor affinity for its ligand. One ClinVar submitter has assessed the variant since 2014: the variant was classified as pathogenic. Based on the evidence outlined above, the variant was classified as pathogenic.

Quest Diagnostics Nichols Institute San Juan Capistrano
Classification: Pathogenic. Last evaluated: 2021-07-09. Review status: criteria provided, single submitter. Criteria: Quest Diagnostics criteria. Collection method: clinical testing. Allele origin: unknown.
Comment: The variant has been reported to cosegregate in a family affected with generalized resistance to thyroid hormone in the published literature (PMID: 7200565 (1982), 1563081 (1992), 8319599 (1993)). Functional studies indicated this variant is functionally deficient and showed dominant negative activity (PMID: 1563081 (1992), 7838159 (1994), 15802373 (2005)). Based on the available information, this variant is classified as pathogenic.

OMIM
Classification: Pathogenic for THYROID HORMONE RESISTANCE, GENERALIZED, AUTOSOMAL DOMINANT. Last evaluated: 1994-05-01. Review status: no assertion criteria provided. Collection method: literature only. Allele origin: germline. Not counted in ClinVar's aggregate classification.

Literature cited by the submitters: PubMed 15802373 (cited by Women's Health and Genetics/Laboratory Corporation of America, LabCorp and Quest Diagnostics Nichols Institute San Juan Capistrano); PubMed 21871106 (cited by Women's Health and Genetics/Laboratory Corporation of America, LabCorp); PubMed 1563081 (cited by 3 submitters); PubMed 8013151 (cited by Quest Diagnostics Nichols Institute San Juan Capistrano and OMIM); PubMed 7200565 (cited by Quest Diagnostics Nichols Institute San Juan Capistrano and OMIM); PubMed 8319599 (cited by Quest Diagnostics Nichols Institute San Juan Capistrano); PubMed 21760978 (cited by Quest Diagnostics Nichols Institute San Juan Capistrano); PubMed 8040303 (cited by Quest Diagnostics Nichols Institute San Juan Capistrano); PubMed 7838159 (cited by Quest Diagnostics Nichols Institute San Juan Capistrano).

NM_001354712.2(THRB):c.1033G>A (p.Gly345Ser)

Gene: THRB (thyroid hormone receptor beta; minus strand). Cytogenetic location: 3p24.2.
Variant type: single nucleotide variant.
Coding change: c.1033G>A on transcript NM_001354712.2 (MANE Select); coding-DNA position 1033, G replaced by A.
Protein change: p.Gly345Ser; replaces glycine 345 with serine.
Molecular consequence: missense variant.
Genome position (GRCh38, 1-based): chr3:24,127,610, C>T on the plus strand (G>A on the coding strand, the complement: THRB is on the minus strand). VCF-style: chr3-24127610-C-T. GRCh37 (hg19) VCF-style: chr3-24169101-C-T.
Other names: c.1033G>A, p.Gly345Ser (NM_000461.5, NM_001128176.3, NM_001128177.2 and 6 more transcripts); c.940G>A, p.Gly314Ser (NM_001354714.2, NM_001354715.2); short protein forms G345S, G314S.
Identifiers: ClinVar variation 12552 (VCV000012552.4), dbSNP rs121918686, ClinGen allele CA122485.